The following is an entry in ClinVar:

ClinVar aggregate classification (germline): Benign. Review status: criteria provided, multiple submitters, no conflicts (2 of 4 stars). 3 submissions from 3 submitters: Benign (3). Last evaluated 2026-09-01.

Allele frequency attached by ClinVar (database versions not stated): 1000 Genomes Project 30x 0.00437; 1000 Genomes Project 0.00439; gnomAD 0.00699 and 0.00722; TOPMed 0.00751; ESP Exome Variant Server 0.00792; gnomAD exomes 0.00792; ExAC 0.00848.
gnomAD v4.1: 14,614 of 1,613,654 alleles (0.91%); highest among the groups gnomAD compares: Non-Finnish European, 1.1%; 104 homozygotes.

Submissions (3):

CeGaT Center for Human Genetics Tuebingen
Classification: Benign. Last evaluated: 2026-09-01. Review status: criteria provided, single submitter. Criteria: CeGaT Center For Human Genetics Tuebingen Variant Classification Criteria Version 2. Collection method: clinical testing. Allele origin: germline. Affected: yes. Observed: 76 variant alleles.
Comment: MED13: BP4, BP7, BS1, BS2

Labcorp Genetics (formerly Invitae), Labcorp
Classification: Benign. Last evaluated: 2019-12-31. Review status: criteria provided, single submitter. Criteria: Invitae Variant Classification Sherloc (09022015). Collection method: clinical testing. Allele origin: germline.

Breakthrough Genomics
Classification: Benign. Review status: criteria provided, single submitter. Criteria: ACMG Guidelines, 2015. Collection method: not provided. Allele origin: germline. Inheritance: Autosomal dominant inheritance. Affected: yes.

NM_005121.3(MED13):c.6033C>T (p.Ile2011=)

Gene: MED13 (mediator complex subunit 13; minus strand). Cytogenetic location: 17q23.2.
Variant type: single nucleotide variant.
Coding change: c.6033C>T on transcript NM_005121.3 (MANE Select); coding-DNA position 6033, C replaced by T.
Protein change: p.Ile2011=; no amino-acid change (isoleucine 2011 retained).
Molecular consequence: synonymous variant.
Genome position (GRCh38, 1-based): chr17:61,953,049, G>A on the plus strand (C>T on the coding strand, the complement: MED13 is on the minus strand). VCF-style: chr17-61953049-G-A. GRCh37 (hg19) VCF-style: chr17-60030410-G-A.
Identifiers: ClinVar variation 778133 (VCV000778133.36), dbSNP rs145247799, ClinGen allele CA8692004.